The following is an entry in ClinVar:

ClinVar aggregate classification (germline): Uncertain significance (1 of 4 stars; one submission).

gnomAD v4.1: 5 of 1,614,034 alleles (0.00031%); highest among the groups gnomAD compares: Non-Finnish European, 0.00042%; no homozygotes.

Submission:

Labcorp Genetics (formerly Invitae), Labcorp
Classification: Uncertain significance. Last evaluated: 2024-01-29. Review status: criteria provided, single submitter. Criteria: Invitae Variant Classification Sherloc (09022015). Collection method: clinical testing. Allele origin: germline.
Comment: This sequence change replaces arginine, which is basic and polar, with lysine, which is basic and polar, at codon 611 of the ABCG8 protein (p.Arg611Lys). This variant is present in population databases (no rsID available, gnomAD 0.002%). This variant has not been reported in the literature in individuals affected with ABCG8-related conditions. Advanced modeling of protein sequence and biophysical properties (such as structural, functional, and spatial information, amino acid conservation, physicochemical variation, residue mobility, and thermodynamic stability) performed at Invitae indicates that this missense variant is not expected to disrupt ABCG8 protein function with a negative predictive value of 80%. In summary, the available evidence is currently insufficient to determine the role of this variant in disease. Therefore, it has been classified as a Variant of Uncertain Significance.

NM_022437.3(ABCG8):c.1832G>A (p.Arg611Lys)

Gene: ABCG8 (ATP binding cassette subfamily G member 8; plus strand). Cytogenetic location: 2p21.
Variant type: single nucleotide variant.
Coding change: c.1832G>A on transcript NM_022437.3 (MANE Select); coding-DNA position 1832, G replaced by A.
Protein change: p.Arg611Lys; replaces arginine 611 with lysine.
Molecular consequence: missense variant.
Genome position (GRCh38, 1-based): chr2:43,877,636, G>A. VCF-style: chr2-43877636-G-A. GRCh37 (hg19) VCF-style: chr2-44104775-G-A.
Other names: c.1829G>A, p.Arg610Lys (NM_001357321.2); short protein forms R611K, R610K.
Identifiers: ClinVar variation 2717080 (VCV002717080.3), dbSNP rs749407558, ClinGen allele CA346670911.